The following is an entry in ClinVar:

NM_005859.5(PURA):c.263_265del (p.Ile88_Ala89delinsThr)

Gene: PURA (purine rich element binding protein A; plus strand). Cytogenetic location: 5q31.3.
Variant type: Deletion.
Coding change: c.263_265del on transcript NM_005859.5 (MANE Select); coding-DNA positions 263 to 265, 3 bases deleted (TCG; older notation c.263_265delTCG).
Protein change: p.Ile88_Ala89delinsThr.
Molecular consequence: inframe indel.
Genome position (GRCh38, 1-based): chr5:140,114,444-140,114,446, TCG deleted. VCF-style (leftmost placement, unchanged base first): chr5-140114443-ATCG-A. GRCh37 (hg19) VCF-style: chr5-139494028-ATCG-A.
Identifiers: ClinVar variation 156412 (VCV000156412.1), dbSNP rs587783000, ClinGen allele CA249902.

ClinVar aggregate classification (germline): Pathogenic (0 of 4 stars; one submission).

Conditions:
Global developmental delay (DD). Also called: Cognitive delay. Identifiers: MedGen C0557874, HP:0001263. Disease mechanism: loss of function.
Delayed speech and language development. Also called: Language delay. Identifiers: MedGen C0454644, HP:0000750.
Seizure. Also called: Seizures. Identifiers: MedGen C0036572, HP:0001250.
Neonatal hypotonia. Identifiers: MedGen C2267233, HP:0001319.
Intellectual disability. Also called: Intellectual developmental disorder; Intellectual functioning disability; intellectual disabilities. Identifiers: MedGen C3714756, MeSH D008607, MONDO:0001071, HP:0001249.

Submission:

Whole genome laboratory; Baylor College of Medicine
Classification: Pathogenic for Neonatal hypotonia; Delayed speech and language development; Intellectual disability; Global developmental delay; Seizures. Last evaluated: 2014-09-15. Review status: no assertion criteria provided. Collection method: clinical testing. Allele origin: germline. Affected: yes. Observed: 1 variant allele. Study: Clinical exome sequencing test.
Comment: Sporadic neonatal hypotonia, developmental delay, speech impairment, sleep apnea, and intellectual disability